The following is an entry in ClinVar:

ClinVar aggregate classification (germline): Uncertain significance (1 of 4 stars; one submission).

Conditions:
Hearing impairment. Also called: Impaired Hearing. Identifiers: MedGen C1384666, MONDO:0005365, HP:0000365.

Allele frequency attached by ClinVar (database versions not stated): gnomAD 0.00001 and 0.00003; gnomAD exomes 0.00001; TOPMed 0.00002.
gnomAD v4.1: 15 of 1,612,630 alleles (0.00093%); highest among the groups gnomAD compares: South Asian, 0.0022%; 1 homozygote.

Submission:

Department of Otolaryngology – Head & Neck Surgery, Cochlear Implant Center
Classification: Uncertain significance for Hearing impairment. Last evaluated: 2021-04-12. Review status: criteria provided, single submitter. Criteria: ClinGen HL ACMG Specifications v1. Collection method: clinical testing. Allele origin: germline. Affected: yes.
Comment: PM2_Moderate, PP3_Supporting

NM_194248.3(OTOF):c.1882G>A (p.Asp628Asn)

Gene: OTOF (otoferlin; minus strand). Cytogenetic location: 2p23.3.
Variant type: single nucleotide variant.
Coding change: c.1882G>A on transcript NM_194248.3 (MANE Select); coding-DNA position 1882, G replaced by A.
Protein change: p.Asp628Asn; replaces aspartic acid 628 with asparagine.
Molecular consequence: missense variant.
Genome position (GRCh38, 1-based): chr2:26,480,233, C>T on the plus strand (G>A on the coding strand, the complement: OTOF is on the minus strand). VCF-style: chr2-26480233-C-T. GRCh37 (hg19) VCF-style: chr2-26703101-C-T.
Other names: c.1882G>A, p.Asp628Asn (NM_001287489.2); short protein forms D628N.
Identifiers: ClinVar variation 1065083 (VCV001065083.3), dbSNP rs1004631548, ClinGen allele CA44400797.